The following is an entry in ClinVar:

NM_004415.4(DSP):c.423-6T>G

Gene: DSP (desmoplakin; plus strand). Cytogenetic location: 6p24.3.
Variant type: single nucleotide variant.
Coding change: c.423-6T>G on transcript NM_004415.4 (MANE Select); 6 bases into the intron before coding-DNA position 423, T replaced by G.
Molecular consequence: intron variant.
Genome position (GRCh38, 1-based): chr6:7,559,220, T>G. VCF-style: chr6-7559220-T-G. GRCh37 (hg19) VCF-style: chr6-7559453-T-G.
Other names: c.423-6T>G (NM_004415.3, NM_001319034.2, NM_001008844.3).
Identifiers: ClinVar variation 1902044 (VCV001902044.6), dbSNP rs745591134, ClinGen allele CA040840.

ClinVar aggregate classification (germline): Uncertain significance. Review status: criteria provided, multiple submitters, no conflicts (2 of 4 stars). 2 submissions from 2 submitters: Uncertain significance (2). Last evaluated 2026-03-27.

Conditions:
Cardiovascular phenotype. Identifiers: MedGen CN230736.
Arrhythmogenic cardiomyopathy with wooly hair and keratoderma. Also called: Dilated cardiomyopathy with woolly hair and keratoderma; PALMOPLANTAR KERATODERMA WITH LEFT VENTRICULAR CARDIOMYOPATHY AND WOOLLY HAIR; Carvajal syndrome; Arrhythmogenic cardiomyopathy with woolly hair and keratoderma. Identifiers: Orphanet 65282, MedGen C1854063, MONDO:0011581, OMIM 605676.
Arrhythmogenic right ventricular dysplasia 8 (ARVD8). Also called: Arrhythmogenic Right Ventricular Dysplasia/Cardiomyopathy 8; ARRHYTHMOGENIC RIGHT VENTRICULAR DYSPLASIA, FAMILIAL, 8; ARRHYTHMOGENIC RIGHT VENTRICULAR CARDIOMYOPATHY 8. Identifiers: MedGen C1843896, MONDO:0011831, OMIM 607450.

Allele frequency attached by ClinVar (database versions not stated): gnomAD exomes below 0.00001; ExAC 0.00001.
gnomAD v4.1: 6 of 1,613,892 alleles (0.00037%); highest among the groups gnomAD compares: Non-Finnish European, 0.00051%; no homozygotes.

Submissions (2):

Molecular Diagnostic Laboratory for Inherited Cardiovascular Disease, Montreal Heart Institute
Classification: Uncertain significance for Cardiovascular phenotype. Last evaluated: 2026-03-27. Review status: criteria provided, single submitter. Criteria: ACMG Guidelines, 2015. Collection method: clinical testing. Allele origin: germline. Affected: yes.
Comment: PVS1_mod, PM2

Labcorp Genetics (formerly Invitae), Labcorp
Classification: Uncertain significance for Arrhythmogenic cardiomyopathy with wooly hair and keratoderma; Arrhythmogenic right ventricular dysplasia 8. Last evaluated: 2022-10-08. Review status: criteria provided, single submitter. Criteria: Invitae Variant Classification Sherloc (09022015). Collection method: clinical testing. Allele origin: germline.
Comment: This sequence change falls in intron 3 of the DSP gene. It does not directly change the encoded amino acid sequence of the DSP protein. This variant is present in population databases (rs745591134, gnomAD 0.002%). This variant has not been reported in the literature in individuals affected with DSP-related conditions. Algorithms developed to predict the effect of sequence changes on RNA splicing suggest that this variant may disrupt the consensus splice site. In summary, the available evidence is currently insufficient to determine the role of this variant in disease. Therefore, it has been classified as a Variant of Uncertain Significance.